The following is an entry in ClinVar:

NM_032444.4(SLX4):c.4371G>T (p.Arg1457Ser)

Gene: SLX4 (SLX4 structure-specific endonuclease subunit; minus strand). Cytogenetic location: 16p13.3.
Variant type: single nucleotide variant.
Coding change: c.4371G>T on transcript NM_032444.4 (MANE Select); coding-DNA position 4371, G replaced by T.
Protein change: p.Arg1457Ser; replaces arginine 1457 with serine.
Molecular consequence: missense variant.
Genome position (GRCh38, 1-based): chr16:3,589,267, C>A on the plus strand (G>T on the coding strand, the complement: SLX4 is on the minus strand). VCF-style: chr16-3589267-C-A. GRCh37 (hg19) VCF-style: chr16-3639268-C-A.
Other names: short protein forms R1457S.
Identifiers: ClinVar variation 2045083 (VCV002045083.3), dbSNP rs745485209, ClinGen allele CA7865670.

ClinVar aggregate classification (germline): Uncertain significance (1 of 4 stars; one submission).

Conditions:
Fanconi anemia (FA). Also called: Fanconi's anemia. Identifiers: Orphanet 84, MedGen C0015625, MeSH D005199, MONDO:0019391.

gnomAD v4.1: 4 of 1,600,984 alleles (0.00025%); highest among the groups gnomAD compares: East Asian, 0.0045%; no homozygotes.

Submission:

Labcorp Genetics (formerly Invitae), Labcorp
Classification: Uncertain significance for Fanconi anemia. Last evaluated: 2022-08-28. Review status: criteria provided, single submitter. Criteria: Invitae Variant Classification Sherloc (09022015). Collection method: clinical testing. Allele origin: germline.
Comment: In summary, the available evidence is currently insufficient to determine the role of this variant in disease. Therefore, it has been classified as a Variant of Uncertain Significance. This sequence change replaces arginine, which is basic and polar, with serine, which is neutral and polar, at codon 1457 of the SLX4 protein (p.Arg1457Ser). This variant is present in population databases (rs745485209, gnomAD 0.01%). This variant has not been reported in the literature in individuals affected with SLX4-related conditions. Algorithms developed to predict the effect of missense changes on protein structure and function (SIFT, PolyPhen-2, Align-GVGD) all suggest that this variant is likely to be tolerated. Algorithms developed to predict the effect of sequence changes on RNA splicing suggest that this variant may create or strengthen a splice site.